The following is an entry in ClinVar:

ClinVar aggregate classification (germline): Uncertain significance (1 of 4 stars; one submission).

Allele frequency attached by ClinVar (database versions not stated): ExAC 0.00001; gnomAD exomes 0.00001; TOPMed 0.00001; gnomAD 0.00002 and 0.00003.

Submission:

Labcorp Genetics (formerly Invitae), Labcorp
Classification: Uncertain significance. Last evaluated: 2021-11-05. Review status: criteria provided, single submitter. Criteria: Invitae Variant Classification Sherloc (09022015). Collection method: clinical testing. Allele origin: germline.
Comment: This variant has not been reported in the literature in individuals affected with ADGRB2-related conditions. The frequency data for this variant in the population databases is considered unreliable, as metrics indicate poor data quality at this position in the gnomAD database. This sequence change replaces alanine, which is neutral and non-polar, with valine, which is neutral and non-polar, at codon 882 of the ADGRB2 protein (p.Ala882Val). Algorithms developed to predict the effect of missense changes on protein structure and function output the following: SIFT: "Tolerated"; PolyPhen-2: "Benign"; Align-GVGD: "Class C0". The valine amino acid residue is found in multiple mammalian species, which suggests that this missense change does not adversely affect protein function. In summary, the available evidence is currently insufficient to determine the role of this variant in disease. Therefore, it has been classified as a Variant of Uncertain Significance. Algorithms developed to predict the effect of sequence changes on RNA splicing suggest that this variant may disrupt the consensus splice site.

NM_001364857.2(ADGRB2):c.2645C>T (p.Ala882Val)

Gene: ADGRB2 (adhesion G protein-coupled receptor B2; minus strand). Cytogenetic location: 1p35.2.
Variant type: single nucleotide variant.
Coding change: c.2645C>T on transcript NM_001364857.2 (MANE Select); coding-DNA position 2645, C replaced by T.
Protein change: p.Ala882Val; replaces alanine 882 with valine.
Molecular consequence: missense variant.
Genome position (GRCh38, 1-based): chr1:31,738,587, G>A on the plus strand (C>T on the coding strand, the complement: ADGRB2 is on the minus strand). VCF-style: chr1-31738587-G-A. GRCh37 (hg19) VCF-style: chr1-32204188-G-A.
Other names: c.2645C>T, p.Ala882Val (NM_001294335.2, NM_001294336.2); short protein forms A882V.
Identifiers: ClinVar variation 1511928 (VCV001511928.6), dbSNP rs754134899, ClinGen allele CA735606.